The following is an entry in ClinVar:

NM_000138.5(FBN1):c.5581A>C (p.Ser1861Arg)

Gene: FBN1 (fibrillin 1; minus strand). Cytogenetic location: 15q21.1.
Variant type: single nucleotide variant.
Coding change: c.5581A>C on transcript NM_000138.5 (MANE Select); coding-DNA position 5581, A replaced by C.
Protein change: p.Ser1861Arg; replaces serine 1861 with arginine.
Molecular consequence: missense variant.
Genome position (GRCh38, 1-based): chr15:48,448,858, T>G on the plus strand (A>C on the coding strand, the complement: FBN1 is on the minus strand). VCF-style: chr15-48448858-T-G. GRCh37 (hg19) VCF-style: chr15-48741055-T-G.
Other names: short protein forms S1861R.
Identifiers: ClinVar variation 1297021 (VCV001297021.3), dbSNP rs2141252219, ClinGen allele CA392342244.

ClinVar aggregate classification (germline): Uncertain significance. Review status: criteria provided, multiple submitters, no conflicts (2 of 4 stars). 2 submissions from 2 submitters: Uncertain significance (2). Last evaluated 2024-05-15.

Conditions:
Marfan syndrome (MFS). Also called: Marfan syndrome type 1; Marfan's syndrome; FBN1-Related Marfan Syndrome; MARFAN SYNDROME, TYPE I; Marfan syndrome, classic. Identifiers: Orphanet 284963, Orphanet 558, MedGen C0024796, MONDO:0007947, OMIM 154700.
Familial thoracic aortic aneurysm and aortic dissection (TAAD). Also called: Thoracic aortic aneurysms and dissections. Identifiers: Orphanet 91387, MedGen C4707243, MONDO:0019625.

Submissions (2):

Labcorp Genetics (formerly Invitae), Labcorp
Classification: Uncertain significance for Marfan syndrome; Familial thoracic aortic aneurysm and aortic dissection. Last evaluated: 2024-05-15. Review status: criteria provided, single submitter. Criteria: Invitae Variant Classification Sherloc (09022015). Collection method: clinical testing. Allele origin: germline.
Comment: This sequence change replaces serine, which is neutral and polar, with arginine, which is basic and polar, at codon 1861 of the FBN1 protein (p.Ser1861Arg). This variant is not present in population databases (gnomAD no frequency). This variant has not been reported in the literature in individuals affected with FBN1-related conditions. ClinVar contains an entry for this variant (Variation ID: 1297021). Advanced modeling of protein sequence and biophysical properties (such as structural, functional, and spatial information, amino acid conservation, physicochemical variation, residue mobility, and thermodynamic stability) has been performed at Invitae for this missense variant, however the output from this modeling did not meet the statistical confidence thresholds required to predict the impact of this variant on FBN1 protein function. In summary, the available evidence is currently insufficient to determine the role of this variant in disease. Therefore, it has been classified as a Variant of Uncertain Significance.

Institute of Human Genetics, University of Leipzig Medical Center
Classification: Uncertain significance for Marfan syndrome. Last evaluated: 2021-04-13. Review status: criteria provided, single submitter. Criteria: ACMG Guidelines, 2015. Collection method: clinical testing. Allele origin: unknown. Affected: yes.